The following is an entry in ClinVar:

NM_001378454.1(ALMS1):c.8892T>A (p.Ile2964=)

Gene: ALMS1 (ALMS1 centrosome and basal body associated protein; plus strand). Cytogenetic location: 2p13.1.
Variant type: single nucleotide variant.
Coding change: c.8892T>A on transcript NM_001378454.1 (MANE Select); coding-DNA position 8892, T replaced by A.
Protein change: p.Ile2964=; no amino-acid change (isoleucine 2964 retained).
Molecular consequence: synonymous variant.
Genome position (GRCh38, 1-based): chr2:73,490,851, T>A. VCF-style: chr2-73490851-T-A. GRCh37 (hg19) VCF-style: chr2-73717978-T-A.
Other names: c.8895T>A, p.Ile2965= (NM_015120.4).
Identifiers: ClinVar variation 5000561 (VCV005000561.1).

ClinVar aggregate classification (germline): Likely benign (1 of 4 stars; one submission).

Conditions:
ALMS1-related disorder. Also called: ALMS1-related condition.

gnomAD v4.1: 1 of 1,613,964 alleles (0.000062%); highest among the groups gnomAD compares: Non-Finnish European, 0.000085%; no homozygotes.

Submission:

PreventionGenetics, part of Exact Sciences
Classification: Likely benign for ALMS1-related condition. Last evaluated: 2026-05-01. Review status: criteria provided, single submitter. Criteria: ACMG Guidelines, 2015. Collection method: clinical testing. Allele origin: germline.
Comment: This variant is classified as likely benign based on ACMG/AMP sequence variant interpretation guidelines (Richards et al. 2015 PMID: 25741868, with internal and published modifications).